The following is an entry in ClinVar:

ClinVar aggregate classification (germline): Uncertain significance (1 of 4 stars; one submission).

Submission:

GeneDx
Classification: Uncertain significance. Last evaluated: 2025-03-03. Review status: criteria provided, single submitter. Criteria: GeneDx Variant Classification Process June 2021. Collection method: clinical testing. Allele origin: germline. Affected: yes.
Comment: Not observed at significant frequency in large population cohorts (gnomAD); In silico analysis supports that this missense variant has a deleterious effect on protein structure/function; Has not been previously published as pathogenic or benign to our knowledge

NM_019066.5(MAGEL2):c.2282C>T (p.Ala761Val)

Gene: MAGEL2 (MAGE family member L2; minus strand). Cytogenetic location: 15q11.2.
Variant type: single nucleotide variant.
Coding change: c.2282C>T on transcript NM_019066.5 (MANE Select); coding-DNA position 2282, C replaced by T.
Protein change: p.Ala761Val; replaces alanine 761 with valine.
Molecular consequence: missense variant.
Genome position (GRCh38, 1-based): chr15:23,645,461, G>A on the plus strand (C>T on the coding strand, the complement: MAGEL2 is on the minus strand). VCF-style: chr15-23645461-G-A. GRCh37 (hg19) VCF-style: chr15-23890608-G-A.
Other names: short protein forms A761V.
Identifiers: ClinVar variation 4082806 (VCV004082806.1).